The following is an entry in ClinVar:

ClinVar aggregate classification (germline): Uncertain significance (1 of 4 stars; one submission).

Conditions:
Joubert syndrome. Also called: CEREBELLOPARENCHYMAL DISORDER IV; JOUBERT-BOLTSHAUSER SYNDROME; Familial aplasia of the vermis. Identifiers: Orphanet 475, MedGen C5979921, MONDO:0018772.
Meckel-Gruber syndrome. Also called: DYSENCEPHALIA SPLANCHNOCYSTICA; GRUBER SYNDROME; Dysencephalia splachnocystica. Identifiers: Orphanet 564, MedGen C0265215, MONDO:0018921.

Submission:

Labcorp Genetics (formerly Invitae), Labcorp
Classification: Uncertain significance for Joubert syndrome; Meckel-Gruber syndrome. Last evaluated: 2021-08-31. Review status: criteria provided, single submitter. Criteria: Invitae Variant Classification Sherloc (09022015). Collection method: clinical testing. Allele origin: germline.
Comment: This sequence change replaces threonine with isoleucine at codon 56 of the TCTN1 protein (p.Thr56Ile). The threonine residue is moderately conserved and there is a moderate physicochemical difference between threonine and isoleucine. This variant is not present in population databases (ExAC no frequency). This variant has not been reported in the literature in individuals affected with TCTN1-related conditions. Algorithms developed to predict the effect of missense changes on protein structure and function output the following: SIFT: "Tolerated"; PolyPhen-2: "Benign"; Align-GVGD: "Class C0". The isoleucine amino acid residue is found in multiple mammalian species, which suggests that this missense change does not adversely affect protein function. In summary, the available evidence is currently insufficient to determine the role of this variant in disease. Therefore, it has been classified as a Variant of Uncertain Significance.

NM_001082538.3(TCTN1):c.167C>T (p.Thr56Ile)

Gene: TCTN1 (tectonic family member 1; plus strand). Cytogenetic location: 12q24.11.
Variant type: single nucleotide variant.
Coding change: c.167C>T on transcript NM_001082538.3 (MANE Select); coding-DNA position 167, C replaced by T.
Protein change: p.Thr56Ile; replaces threonine 56 with isoleucine.
Molecular consequence: missense variant. On other transcripts: 5 prime UTR variant (4), non-coding transcript variant (1).
Genome position (GRCh38, 1-based): chr12:110,614,349, C>T. VCF-style: chr12-110614349-C-T. GRCh37 (hg19) VCF-style: chr12-111052154-C-T.
Other names: c.167C>T, p.Thr56Ile (NM_001082537.3, NM_001319680.2, NM_024549.6); c.-63C>T (NM_001173975.3, NM_001319682.3); c.-90C>T (NM_001173976.2); c.-541C>T (NM_001319681.2); short protein forms T56I.
Identifiers: ClinVar variation 1381665 (VCV001381665.5), dbSNP rs2135829550, ClinGen allele CA386700729.